The following is an entry in ClinVar:

ClinVar aggregate classification (germline): Uncertain significance (1 of 4 stars; one submission).

Submission:

Labcorp Genetics (formerly Invitae), Labcorp
Classification: Uncertain significance. Last evaluated: 2022-02-20. Review status: criteria provided, single submitter. Criteria: Invitae Variant Classification Sherloc (09022015). Collection method: clinical testing. Allele origin: germline.
Comment: In summary, the available evidence is currently insufficient to determine the role of this variant in disease. Therefore, it has been classified as a Variant of Uncertain Significance. Experimental studies and prediction algorithms are not available or were not evaluated, and the functional significance of this variant is currently unknown. This variant has not been reported in the literature in individuals affected with ZCCHC8-related conditions. This variant results in a copy number gain of the genomic region encompassing exon(s) 5 of the ZCCHC8 gene. While the exact position of this variant cannot be determined from the data, sub-genic copy number gains are generally in tandem (PMID: 25640679). This variant is predicted to be in-frame, and likely preserves the integrity of the reading frame.

Literature cited by the submitters: PubMed 25640679.

NC_000012.11:g.(?_122973913)_(122974030_?)dup

Gene: ZCCHC8 (zinc finger CCHC-type containing 8; minus strand). Cytogenetic location: 12q24.31.
Variant type: Duplication.
Identifiers: ClinVar variation 2426326 (VCV002426326.4).